The following is an entry in ClinVar:

NM_001261826.3(AP3D1):c.3387G>C (p.Leu1129Phe)

Gene: AP3D1 (adaptor related protein complex 3 subunit delta 1; minus strand). Cytogenetic location: 19p13.3.
Variant type: single nucleotide variant.
Coding change: c.3387G>C on transcript NM_001261826.3 (MANE Select); coding-DNA position 3387, G replaced by C.
Protein change: p.Leu1129Phe; replaces leucine 1129 with phenylalanine.
Molecular consequence: missense variant.
Genome position (GRCh38, 1-based): chr19:2,109,171, C>G on the plus strand (G>C on the coding strand, the complement: AP3D1 is on the minus strand). VCF-style: chr19-2109171-C-G. GRCh37 (hg19) VCF-style: chr19-2109170-C-G.
Other names: c.3351G>C, p.Leu1117Phe (NM_001374799.1); c.3201G>C, p.Leu1067Phe (NM_003938.8); short protein forms L1117F, L1129F, L1067F.
Identifiers: ClinVar variation 2100255 (VCV002100255.4), dbSNP rs1276793982, ClinGen allele CA403200987.

ClinVar aggregate classification (germline): Uncertain significance (1 of 4 stars; one submission).

Submission:

Labcorp Genetics (formerly Invitae), Labcorp
Classification: Uncertain significance. Last evaluated: 2022-02-20. Review status: criteria provided, single submitter. Criteria: Invitae Variant Classification Sherloc (09022015). Collection method: clinical testing. Allele origin: germline.
Comment: This sequence change replaces leucine, which is neutral and non-polar, with phenylalanine, which is neutral and non-polar, at codon 1129 of the AP3D1 protein (p.Leu1129Phe). In summary, the available evidence is currently insufficient to determine the role of this variant in disease. Therefore, it has been classified as a Variant of Uncertain Significance. Algorithms developed to predict the effect of missense changes on protein structure and function (SIFT, PolyPhen-2, Align-GVGD) all suggest that this variant is likely to be tolerated. This variant has not been reported in the literature in individuals affected with AP3D1-related conditions. This variant is not present in population databases (gnomAD no frequency).